The following is an entry in ClinVar:

ClinVar aggregate classification (germline): Uncertain significance (1 of 4 stars; one submission).

Conditions:
Charcot-Marie-Tooth disease axonal type 2O. Also called: CHARCOT-MARIE-TOOTH NEUROPATHY, AXONAL, TYPE 2O; CHARCOT-MARIE-TOOTH DISEASE, AXONAL, AUTOSOMAL DOMINANT, TYPE 2O; Charcot-Marie-Tooth disease, axonal, type 20; Charcot-Marie-Tooth Neuropathy Type 2O. Identifiers: Orphanet 284232, MedGen C3280220, MONDO:0013644, OMIM 614228.

Submission:

Labcorp Genetics (formerly Invitae), Labcorp
Classification: Uncertain significance for Charcot-Marie-Tooth disease axonal type 2O. Last evaluated: 2022-10-04. Review status: criteria provided, single submitter. Criteria: Invitae Variant Classification Sherloc (09022015). Collection method: clinical testing. Allele origin: germline.
Comment: This variant has not been reported in the literature in individuals affected with DYNC1H1-related conditions. This variant is not present in population databases (gnomAD no frequency). This sequence change replaces serine, which is neutral and polar, with arginine, which is basic and polar, at codon 1768 of the DYNC1H1 protein (p.Ser1768Arg). In summary, the available evidence is currently insufficient to determine the role of this variant in disease. Therefore, it has been classified as a Variant of Uncertain Significance. Advanced modeling of protein sequence and biophysical properties (such as structural, functional, and spatial information, amino acid conservation, physicochemical variation, residue mobility, and thermodynamic stability) performed at Invitae indicates that this missense variant is not expected to disrupt DYNC1H1 protein function.

NM_001376.5(DYNC1H1):c.5304C>G (p.Ser1768Arg)

Gene: DYNC1H1 (dynein cytoplasmic 1 heavy chain 1; plus strand). Cytogenetic location: 14q32.31.
Variant type: single nucleotide variant.
Coding change: c.5304C>G on transcript NM_001376.5 (MANE Select); coding-DNA position 5304, C replaced by G.
Protein change: p.Ser1768Arg; replaces serine 1768 with arginine.
Molecular consequence: missense variant.
Genome position (GRCh38, 1-based): chr14:102,005,107, C>G. VCF-style: chr14-102005107-C-G. GRCh37 (hg19) VCF-style: chr14-102471444-C-G.
Other names: short protein forms S1768R.
Identifiers: ClinVar variation 1720936 (VCV001720936.5), dbSNP rs2503739773, ClinGen allele CA391046413.